The following is an entry in ClinVar:

NM_001130987.2(DYSF):c.1692+1G>A

Gene: DYSF (dysferlin; plus strand). Cytogenetic location: 2p13.2.
Variant type: single nucleotide variant.
Coding change: c.1692+1G>A on transcript NM_001130987.2 (MANE Select); the canonical splice donor site of the intron after coding-DNA position 1692, G replaced by A.
Molecular consequence: splice donor variant.
Genome position (GRCh38, 1-based): chr2:71,551,157, G>A. VCF-style: chr2-71551157-G-A. GRCh37 (hg19) VCF-style: chr2-71778287-G-A.
Other names: c.1731+1G>A (NM_001130979.2); c.1689+1G>A (NM_001130981.2, NM_001130980.2); c.1638+1G>A (NM_001130978.2, NM_003494.4); c.1596+1G>A (NM_001130977.2, NM_001130976.2); c.1734+1G>A (NM_001130982.2); c.1692+1G>A (NM_001130985.2); c.1641+1G>A (NM_001130983.2, NM_001130455.2); c.1599+1G>A (NM_001130984.2, NM_001130986.2).
Identifiers: ClinVar variation 1453184 (VCV001453184.6), dbSNP rs1319833991, ClinGen allele CA347217539.
Genomic context (GRCh38, chr2:71,551,157, plus strand): 5'-GGCAGTCCCAGAGAGTTCACAGGCTTCCCAGACCCCTACACAGAGCTCAACACAGGCAAG[G>A]TAAGCCGGCTGGAGCCCTGGCAAGGGCAGGATGCCAGATGCCCAGGTCCCTCAGGAGCCC-3'

ClinVar aggregate classification (germline): Pathogenic (1 of 4 stars; one submission).

Conditions:
Neuromuscular disease caused by qualitative or quantitative defects of dysferlin. Also called: Qualitative or quantitative defects of dysferlin; Dysferlinopathy. Identifiers: Orphanet 207073, MedGen C2931687, MONDO:0016145.

Submission:

Labcorp Genetics (formerly Invitae), Labcorp
Classification: Pathogenic for Neuromuscular disease caused by qualitative or quantitative defects of dysferlin. Last evaluated: 2021-09-25. Review status: criteria provided, single submitter. Criteria: Invitae Variant Classification Sherloc (09022015). Collection method: clinical testing. Allele origin: germline.
Comment: Disruption of this splice site has been observed in individual(s) with limb-girdle muscular dystrophy (PMID: 23254335). Algorithms developed to predict the effect of sequence changes on RNA splicing suggest that this variant may disrupt the consensus splice site. For these reasons, this variant has been classified as Pathogenic. This variant is not present in population databases (ExAC no frequency). This sequence change affects a donor splice site in intron 18 of the DYSF gene. It is expected to disrupt RNA splicing. Variants that disrupt the donor or acceptor splice site typically lead to a loss of protein function (PMID: 16199547), and loss-of-function variants in DYSF are known to be pathogenic (PMID: 17698709, 20301480).

Literature cited by the submitters: PubMed 23254335; PubMed 16199547; PubMed 17698709; PubMed 20301480.